The following is an entry in ClinVar:

ClinVar aggregate classification (germline): Uncertain significance (1 of 4 stars; one submission).

Allele frequency attached by ClinVar (database versions not stated): gnomAD 0.00001.
gnomAD v4.1: 1 of 1,194,582 alleles (0.000084%); highest among the groups gnomAD compares: Admixed American, 0.0022%; no homozygotes.

Submission:

GeneDx
Classification: Uncertain significance. Last evaluated: 2024-07-26. Review status: criteria provided, single submitter. Criteria: GeneDx Variant Classification Process June 2021. Collection method: clinical testing. Allele origin: germline. Affected: yes.
Comment: In silico analysis supports that this missense variant has a deleterious effect on protein structure/function; Has not been previously published as pathogenic or benign to our knowledge

NM_001291415.2(KDM6A):c.648A>C (p.Glu216Asp)

Gene: KDM6A (lysine demethylase 6A; plus strand). Cytogenetic location: Xp11.3.
Variant type: single nucleotide variant.
Coding change: c.648A>C on transcript NM_001291415.2 (MANE Select); coding-DNA position 648, A replaced by C.
Protein change: p.Glu216Asp; replaces glutamic acid 216 with aspartic acid.
Molecular consequence: missense variant. On other transcripts: 5 prime UTR variant (1), non-coding transcript variant (1).
Genome position (GRCh38, 1-based): chrX:45,037,683, A>C. VCF-style: chrX-45037683-A-C. GRCh37 (hg19) VCF-style: chrX-44896928-A-C.
Other names: c.648A>C, p.Glu216Asp (NM_001291416.2, NM_001291417.2, NM_001291418.2 and 2 more transcripts); c.-106A>C (NM_001291421.2); short protein forms E216D.
Identifiers: ClinVar variation 1722802 (VCV001722802.3), dbSNP rs1345717578, ClinGen allele CA412774023.